The following is an entry in ClinVar:

ClinVar aggregate classification (germline): Benign/Likely benign. Review status: criteria provided, multiple submitters, no conflicts (2 of 4 stars). 4 submissions from 4 submitters: Benign (2); Likely benign (1). 1 of the submissions does not count toward it. Last evaluated 2024-08-01.

Conditions:
DNHD1-related disorder. Also called: DNHD1-related condition.

Allele frequency attached by ClinVar (database versions not stated): 1000 Genomes Project 30x 0.00047; 1000 Genomes Project 0.00060; TOPMed 0.00335; gnomAD 0.00344 and 0.00357; gnomAD exomes 0.00348 and 0.00603; ExAC 0.00371; ESP Exome Variant Server 0.00416.
gnomAD v4.1: 8,819 of 1,551,760 alleles (0.57%); highest among the groups gnomAD compares: Non-Finnish European, 0.71%; 39 homozygotes.

Submissions (4):

CeGaT Center for Human Genetics Tuebingen
Classification: Likely benign. Last evaluated: 2024-08-01. Review status: criteria provided, single submitter. Criteria: CeGaT Center For Human Genetics Tuebingen Variant Classification Criteria Version 2. Collection method: clinical testing. Allele origin: germline. Affected: yes. Observed: 2 variant alleles.
Comment: DNHD1: BP4, BP7, BS2

Labcorp Genetics (formerly Invitae), Labcorp
Classification: Benign. Last evaluated: 2019-12-31. Review status: criteria provided, single submitter. Criteria: Invitae Variant Classification Sherloc (09022015). Collection method: clinical testing. Allele origin: germline.

Breakthrough Genomics
Classification: Benign. Review status: criteria provided, single submitter. Criteria: ACMG Guidelines, 2015. Collection method: not provided. Allele origin: germline. Inheritance: Autosomal recessive inheritance. Affected: yes.

PreventionGenetics, part of Exact Sciences
Classification: Likely benign for DNHD1-related condition. Last evaluated: 2019-04-08. Review status: no assertion criteria provided. Collection method: clinical testing. Allele origin: germline. Not counted in ClinVar's aggregate classification.
Comment: This variant is classified as likely benign based on ACMG/AMP sequence variant interpretation guidelines (Richards et al. 2015 PMID: 25741868, with internal and published modifications).

NM_144666.3(DNHD1):c.5793G>A (p.Leu1931=)

Gene: DNHD1 (dynein heavy chain domain 1; plus strand). Cytogenetic location: 11p15.4.
Variant type: single nucleotide variant.
Coding change: c.5793G>A on transcript NM_144666.3 (MANE Select); coding-DNA position 5793, G replaced by A.
Protein change: p.Leu1931=; no amino-acid change (leucine 1931 retained).
Molecular consequence: synonymous variant.
Genome position (GRCh38, 1-based): chr11:6,546,732, G>A. VCF-style: chr11-6546732-G-A. GRCh37 (hg19) VCF-style: chr11-6567962-G-A.
Identifiers: ClinVar variation 774323 (VCV000774323.30), dbSNP rs200466112, ClinGen allele CA5856083.